The following is an entry in ClinVar:

ClinVar aggregate classification (germline): Uncertain significance (1 of 4 stars; one submission).

gnomAD v4.1: 1 of 1,169,540 alleles (0.000086%); highest among the groups gnomAD compares: South Asian, 0.0018%; no homozygotes.

Submission:

GeneDx
Classification: Uncertain significance. Last evaluated: 2025-06-02. Review status: criteria provided, single submitter. Criteria: GeneDx Variant Classification Process June 2021. Collection method: clinical testing. Allele origin: germline. Affected: yes.
Comment: In silico analysis supports that this missense variant has a deleterious effect on protein structure/function; Has not been previously published as pathogenic or benign to our knowledge

NM_001367721.1(CASK):c.841C>T (p.Arg281Cys)

Gene: CASK (calcium/calmodulin dependent serine protein kinase; minus strand). Cytogenetic location: Xp11.4.
Variant type: single nucleotide variant.
Coding change: c.841C>T on transcript NM_001367721.1 (MANE Select); coding-DNA position 841, C replaced by T.
Protein change: p.Arg281Cys; replaces arginine 281 with cysteine.
Molecular consequence: missense variant.
Genome position (GRCh38, 1-based): chrX:41,636,652, G>A on the plus strand (C>T on the coding strand, the complement: CASK is on the minus strand). VCF-style: chrX-41636652-G-A. GRCh37 (hg19) VCF-style: chrX-41495905-G-A.
Other names: c.841C>T, p.Arg281Cys (NM_001126054.3, NM_001126055.3, NM_001410745.1 and 1 more transcripts); short protein forms R281C.
Identifiers: ClinVar variation 4538628 (VCV004538628.1).